The following is an entry in ClinVar:

NM_001377.3(DYNC2H1):c.6625A>T (p.Thr2209Ser)

Gene: DYNC2H1 (dynein cytoplasmic 2 heavy chain 1; plus strand). Cytogenetic location: 11q22.3.
Variant type: single nucleotide variant.
Coding change: c.6625A>T on transcript NM_001377.3 (MANE Select); coding-DNA position 6625, A replaced by T.
Protein change: p.Thr2209Ser; replaces threonine 2209 with serine.
Molecular consequence: missense variant.
Genome position (GRCh38, 1-based): chr11:103,185,043, A>T. VCF-style: chr11-103185043-A-T. GRCh37 (hg19) VCF-style: chr11-103055772-A-T.
Other names: c.6625A>T, p.Thr2209Ser (NM_001080463.2); short protein forms T2209S.
Identifiers: ClinVar variation 373398 (VCV000373398.15), dbSNP rs200762072, ClinGen allele CA6254014.

ClinVar aggregate classification (germline): Conflicting classifications of pathogenicity. Review status: criteria provided, conflicting classifications (1 of 4 stars). 4 submissions from 4 submitters: Uncertain significance (2); Likely benign (2). Last evaluated 2026-01-24.

Conditions:
Inborn genetic diseases. Identifiers: MedGen C0950123, MeSH D030342.
Jeune thoracic dystrophy. Also called: Jeune syndrome; Infantile thoracic dystrophy; Thoracic pelvic phalangeal dystrophy; Jeune's syndrome; Chondroectodermal dysplasia-like syndrome; Short-rib thoracic dysplasia. Identifiers: Orphanet 474, MedGen C0265275, MONDO:0018770.

Allele frequency attached by ClinVar (database versions not stated): 1000 Genomes Project 30x 0.00016; ExAC 0.00017; ESP Exome Variant Server 0.00017; 1000 Genomes Project 0.00020; gnomAD 0.00041; TOPMed 0.00049.
gnomAD v4.1: 131 of 1,609,336 alleles (0.0081%); highest among the groups gnomAD compares: African/African-American, 0.15%; no homozygotes.

Submissions (4):

Labcorp Genetics (formerly Invitae), Labcorp
Classification: Likely benign for Jeune thoracic dystrophy. Last evaluated: 2026-01-24. Review status: criteria provided, single submitter. Criteria: Invitae Variant Classification Sherloc (09022015). Collection method: clinical testing. Allele origin: germline.

Ambry Genetics
Classification: Uncertain significance for Inborn genetic diseases. Last evaluated: 2025-01-27. Review status: criteria provided, single submitter. Criteria: Ambry Variant Classification Scheme 2023. Collection method: clinical testing. Allele origin: germline.

GeneDx
Classification: Uncertain significance. Last evaluated: 2025-01-13. Review status: criteria provided, single submitter. Criteria: GeneDx Variant Classification Process June 2021. Collection method: clinical testing. Allele origin: germline. Affected: yes.
Comment: In silico analysis indicates that this missense variant does not alter protein structure/function; Has not been previously published as pathogenic or benign to our knowledge

Blueprint Genetics
Classification: Likely benign. Last evaluated: 2024-01-16. Review status: criteria provided, single submitter. Criteria: ACMG Guidelines, 2015. Collection method: clinical testing. Allele origin: germline.